The following is an entry in ClinVar:

ClinVar aggregate classification (germline): Likely pathogenic (1 of 4 stars; one submission).

Conditions:
Mucopolysaccharidosis, MPS-IV-A (MPS4A). Also called: MORQUIO SYNDROME A; GALACTOSAMINE-6-SULFATASE DEFICIENCY; GALNS DEFICIENCY; MORQUIO A DISEASE; MPS IVA; Mucopolysaccharidosis type IV A. Identifiers: Orphanet 309297, Orphanet 582, MedGen C0086651, MONDO:0009659, OMIM 253000.

Submission:

Department of Genetics and Endocrinology, Guangzhou Women and Children’s Medical Center
Classification: Likely pathogenic for Mucopolysaccharidosis, MPS-IV-A. Last evaluated: 2026-08-20. Review status: criteria provided, single submitter. Criteria: ACMG Guidelines, 2015. Collection method: clinical testing. Allele origin: germline. Affected: yes.
Comment: PM1: located in domain 2 (functional domain); PM2: absent from population databases (gnomAD); PP3: multiple in silico tools (PolyPhen-2, FATHMM, MutationTaster) predict damaging effect; PP4: patient phenotype (short stature, pectus carinatum, genu valgum) is highly specific for MPS IVA.

NM_000512.5(GALNS):c.1202A>G (p.His401Arg)

Gene: GALNS (galactosamine (N-acetyl)-6-sulfatase; minus strand). Cytogenetic location: 16q24.3.
Variant type: single nucleotide variant.
Coding change: c.1202A>G on transcript NM_000512.5 (MANE Select); coding-DNA position 1202, A replaced by G.
Protein change: p.His401Arg; replaces histidine 401 with arginine.
Molecular consequence: missense variant.
Genome position (GRCh38, 1-based): chr16:88,824,807, T>C on the plus strand (A>G on the coding strand, the complement: GALNS is on the minus strand). VCF-style: chr16-88824807-T-C. GRCh37 (hg19) VCF-style: chr16-88891215-T-C.
Other names: c.647A>G, p.His216Arg (NM_001323543.2); c.1220A>G, p.His407Arg (NM_001323544.2); short protein forms H216R, H401R, H407R.
Identifiers: ClinVar variation 4886992 (VCV004886992.1).
Genomic context (GRCh38, chr16:88,824,807, plus strand): 5'-CCACGTCCCGAGCCCTGTACCTGTCTGAAGTTCTCCCAGGAGTTGGTCCAGGTCCAGAAG[T>C]GAGCCTTGTGCTGCCCGAGGGTGGCCGCCATCAGCGTGTCGCCACGGTAATAGAAGATAG-3'
Protein context (NP_000503.1, residues 391-411): MAATLGQHKA[His401Arg]FWTWTNSWEN